The following is an entry in ClinVar:

NM_015046.7(SETX):c.6351C>T (p.Ser2117=)

Gene: SETX (senataxin; minus strand). Cytogenetic location: 9q34.13.
Variant type: single nucleotide variant.
Coding change: c.6351C>T on transcript NM_015046.7 (MANE Select); coding-DNA position 6351, C replaced by T.
Protein change: p.Ser2117=; no amino-acid change (serine 2117 retained).
Molecular consequence: synonymous variant.
Genome position (GRCh38, 1-based): chr9:132,286,468, G>A on the plus strand (C>T on the coding strand, the complement: SETX is on the minus strand). VCF-style: chr9-132286468-G-A. GRCh37 (hg19) VCF-style: chr9-135161855-G-A.
Other names: c.6351C>T, p.Ser2117= (NM_001351527.2, NM_001351528.2).
Identifiers: ClinVar variation 704754 (VCV000704754.15), dbSNP rs200269892, ClinGen allele CA5296750.

ClinVar aggregate classification (germline): Likely benign. Review status: criteria provided, multiple submitters, no conflicts (2 of 4 stars). 6 submissions from 5 submitters: Likely benign (5). 1 of the submissions does not count toward it. Last evaluated 2025-12-23.

Conditions:
SETX-related disorder. Also called: SETX-related condition; SETX-related disorders. Identifiers: MedGen CN239403.
Amyotrophic lateral sclerosis type 4 (ALS4). Also called: NEURONOPATHY, DISTAL HEREDITARY MOTOR, WITH PYRAMIDAL FEATURES; AMYOTROPHIC LATERAL SCLEROSIS 4, JUVENILE. Identifiers: Orphanet 357043, MedGen C1865409, MONDO:0011223, OMIM 602433.
Spinocerebellar ataxia, autosomal recessive, with axonal neuropathy 2 (SCAN2). Also called: Ataxia-ocular apraxia-2; Ataxia with Oculomotor Apraxia; Ataxia with Oculomotor Apraxia Type 2; ATAXIA-OCULOMOTOR APRAXIA 2. Identifiers: Orphanet 64753, MedGen C1853761, MONDO:0018996, OMIM 606002.

Allele frequency attached by ClinVar (database versions not stated): gnomAD 0.00001; TOPMed 0.00002; gnomAD exomes 0.00006 and 0.00008; ExAC 0.00008.
gnomAD v4.1: 85 of 1,613,150 alleles (0.0053%); highest among the groups gnomAD compares: Middle Eastern, 0.18%; no homozygotes.

Submissions (6):

Labcorp Genetics (formerly Invitae), Labcorp
Classification: Likely benign for Amyotrophic lateral sclerosis type 4; Spinocerebellar ataxia, autosomal recessive, with axonal neuropathy 2. Last evaluated: 2025-12-23. Review status: criteria provided, single submitter. Criteria: Invitae Variant Classification Sherloc (09022015). Collection method: clinical testing. Allele origin: germline.

Athena Diagnostics
Classification: Likely benign. Last evaluated: 2025-07-18. Review status: criteria provided, single submitter. Criteria: Athena Diagnostics Criteria. Collection method: clinical testing. Allele origin: unknown.
Comment: Computational tools yielded predictions that this variant is unlikely to have an effect on normal RNA splicing. This nucleotide position exhibits low evolutionary conservation.

Genome-Nilou Lab
Classification: Likely benign for Spinocerebellar ataxia, autosomal recessive, with axonal neuropathy 2. Last evaluated: 2023-02-08. Review status: criteria provided, single submitter. Criteria: ACMG Guidelines, 2015. Collection method: clinical testing. Allele origin: germline.

Genome-Nilou Lab
Classification: Likely benign for Amyotrophic lateral sclerosis type 4. Last evaluated: 2023-02-08. Review status: criteria provided, single submitter. Criteria: ACMG Guidelines, 2015. Collection method: clinical testing. Allele origin: germline.

GeneDx
Classification: Likely benign. Last evaluated: 2020-01-29. Review status: criteria provided, single submitter. Criteria: GeneDx Variant Classification Process June 2021. Collection method: clinical testing. Allele origin: germline. Affected: yes.

PreventionGenetics, part of Exact Sciences
Classification: Likely benign for SETX-related condition. Last evaluated: 2022-03-01. Review status: no assertion criteria provided. Collection method: clinical testing. Allele origin: germline. Not counted in ClinVar's aggregate classification.
Comment: This variant is classified as likely benign based on ACMG/AMP sequence variant interpretation guidelines (Richards et al. 2015 PMID: 25741868, with internal and published modifications).